The following is an entry in ClinVar:

ClinVar aggregate classification (germline): Pathogenic (1 of 4 stars; one submission).

Conditions:
Developmental and epileptic encephalopathy, 37 (DEE37). Also called: Epileptic encephalopathy, early infantile, 37. Identifiers: MedGen C4310770, MONDO:0014859, OMIM 616981.

Submission:

Labcorp Genetics (formerly Invitae), Labcorp
Classification: Pathogenic for Developmental and epileptic encephalopathy, 37. Last evaluated: 2023-12-22. Review status: criteria provided, single submitter. Criteria: Invitae Variant Classification Sherloc (09022015). Collection method: clinical testing. Allele origin: germline.
Comment: This sequence change creates a premature translational stop signal (p.Trp232*) in the FRRS1L gene. It is expected to result in an absent or disrupted protein product. Loss-of-function variants in FRRS1L are known to be pathogenic (PMID: 27236917). This variant is not present in population databases (gnomAD no frequency). This variant has not been reported in the literature in individuals affected with FRRS1L-related conditions. For these reasons, this variant has been classified as Pathogenic.

Literature cited by the submitters: PubMed 27236917.

NM_014334.4(FRRS1L):c.542G>A (p.Trp181Ter)

Gene: FRRS1L (ferric chelate reductase 1 like; minus strand). Cytogenetic location: 9q31.3.
Variant type: single nucleotide variant.
Coding change: c.542G>A on transcript NM_014334.4 (MANE Select); coding-DNA position 542, G replaced by A.
Protein change: p.Trp181Ter; replaces tryptophan 181 with a stop codon.
Molecular consequence: nonsense.
Genome position (GRCh38, 1-based): chr9:109,141,510, C>T on the plus strand (G>A on the coding strand, the complement: FRRS1L is on the minus strand). VCF-style: chr9-109141510-C-T. GRCh37 (hg19) VCF-style: chr9-111903790-C-T.
Other names: short protein forms W181*.
Identifiers: ClinVar variation 2704376 (VCV002704376.3), dbSNP rs2538497130, ClinGen allele CA374424644.
Genomic context (GRCh38, chr9:109,141,510, plus strand): 5'-CGATTGTTCTCAAAAACTCCTTCTTCATCTCTGGCAGGGTTTCTCTGAATCTCCTTTGCC[C>T]ACTGGCCTACATTATAGAAGTGCTGTATGCGGACCCTGCCATTGTCATCATGGACGCAGG-3'